The following is an entry in ClinVar:

NM_000277.3(PAH):c.648C>G (p.Tyr216Ter)

Gene: PAH (phenylalanine hydroxylase; minus strand). Cytogenetic location: 12q23.2.
Variant type: single nucleotide variant.
Coding change: c.648C>G on transcript NM_000277.3 (MANE Select); coding-DNA position 648, C replaced by G.
Protein change: p.Tyr216Ter; replaces tyrosine 216 with a stop codon.
Molecular consequence: nonsense.
Genome position (GRCh38, 1-based): chr12:102,855,194, G>C on the plus strand (C>G on the coding strand, the complement: PAH is on the minus strand). VCF-style: chr12-102855194-G-C. GRCh37 (hg19) VCF-style: chr12-103248972-G-C.
Other names: c.648C>G, p.Tyr216Ter (NM_001354304.2); short protein forms Y216*.
Identifiers: ClinVar variation 102769 (VCV000102769.23), dbSNP rs62509013, ClinGen allele CA229669.

ClinVar aggregate classification (germline): Pathogenic. Review status: reviewed by expert panel (3 of 4 stars). 9 submissions from 9 submitters: Pathogenic (1). 8 of the submissions do not count toward it. Last evaluated 2020-10-30.

Conditions:
Phenylketonuria (PKU). Also called: Phenylketonuria (PKU); FOLLING DISEASE; OLIGOPHRENIA PHENYLPYRUVICA; Phenylketonurias. Identifiers: Orphanet 716, MedGen C0031485, MONDO:0009861, OMIM 261600. Disease mechanism: loss of function.

Allele frequency attached by ClinVar (database versions not stated): gnomAD exomes 0.00001; TOPMed below 0.00001.
gnomAD v4.1: 14 of 1,614,156 alleles (0.00087%); highest among the groups gnomAD compares: Non-Finnish European, 0.0011%; no homozygotes.

Submissions (9):

ClinGen PAH Variant Curation Expert Panel
Classification: Pathogenic for Phenylketonuria. Last evaluated: 2020-10-30. Review status: reviewed by expert panel. Criteria: ClinGen PAH ACMG Specifications v1. Collection method: curation. Allele origin: germline. Inheritance: Autosomal recessive inheritance.
Comment: The c.648C>G (p.Tyr216Ter) variant has been identified in at least one patient with classic PKU (PMID: 26666653). The patient was compound heterozygous with the pathogenic variant Glu280Lys (ClinVar 580). This variant is absent from 1000G, ESP, and gnomAD databases. This variant creates a stop codon in exon 6 of 13 which is predicted to cause NMD. In summary, this variant meets criteria to be classified as pathogenic for PAH. PAH-specific ACMG/AMP criteria applied: PVS1, PP4, PM2, PM3_supporting.

Labcorp Genetics (formerly Invitae), Labcorp
Classification: Pathogenic for Phenylketonuria. Last evaluated: 2025-06-08. Review status: criteria provided, single submitter. Criteria: Invitae Variant Classification Sherloc (09022015). Collection method: clinical testing. Allele origin: germline. Not counted in ClinVar's aggregate classification.
Comment: This sequence change creates a premature translational stop signal (p.Tyr216*) in the PAH gene. It is expected to result in an absent or disrupted protein product. Loss-of-function variants in PAH are known to be pathogenic (PMID: 1301187, 9634518). This variant is not present in population databases (gnomAD no frequency). This premature translational stop signal has been observed in individuals with phenylketonuria (PMID: 17502162, 26666653). ClinVar contains an entry for this variant (Variation ID: 102769). Algorithms developed to predict the effect of sequence changes on RNA splicing suggest that this variant may disrupt the consensus splice site. For these reasons, this variant has been classified as Pathogenic.

Greenwood Genetic Center Diagnostic Laboratories, Greenwood Genetic Center
Classification: Pathogenic for Phenylketonuria. Last evaluated: 2024-10-22. Review status: criteria provided, single submitter. Criteria: ACMG Guidelines, 2015. Collection method: clinical testing. Allele origin: germline. Affected: yes. Not counted in ClinVar's aggregate classification.
Comment: PVS1, PM2, PM3_Supporting, PP4

GeneDx
Classification: Pathogenic. Last evaluated: 2023-05-20. Review status: criteria provided, single submitter. Criteria: GeneDx Variant Classification Process June 2021. Collection method: clinical testing. Allele origin: germline. Affected: yes. Not counted in ClinVar's aggregate classification.
Comment: Nonsense variant predicted to result in protein truncation or nonsense mediated decay in a gene for which loss-of-function is a known mechanism of disease; Not observed at significant frequency in large population cohorts (gnomAD); This variant is associated with the following publications: (PMID: 25525159, 17502162, 32668217, 31923802, 26666653, 23430918)

Baylor Genetics
Classification: Pathogenic for Phenylketonuria. Last evaluated: 2023-04-25. Review status: criteria provided, single submitter. Criteria: ACMG Guidelines, 2015. Collection method: clinical testing. Allele origin: unknown. Not counted in ClinVar's aggregate classification.

Women's Health and Genetics/Laboratory Corporation of America, LabCorp
Classification: Pathogenic for Phenylketonuria. Last evaluated: 2019-06-06. Review status: criteria provided, single submitter. Criteria: LabCorp Variant Classification Summary - May 2015. Collection method: clinical testing. Allele origin: germline. Not counted in ClinVar's aggregate classification.
Comment: Variant summary: PAH c.648C>G (p.Tyr216X) results in a premature termination codon, predicted to cause a truncation of the encoded protein or absence of the protein due to nonsense mediated decay, which are commonly known mechanisms for disease. Truncations downstream of this position have been classified as pathogenic by our laboratory. The variant was absent in 251324 control chromosomes (gnomAD). c.648C>G has been reported in the literature in individuals affected with Phenylalanine Hydroxylase Deficiency (Phenylketonuria) (Tyfield_1997, Dombrowolski_2007, Sarkissian_2011, Jeannesson-Thivisol_2015). These data indicate that the variant is likely to be associated with disease. To our knowledge, no experimental evidence demonstrating an impact on protein function has been reported. A ClinVar submission from a clinical diagnostic laboratory (evaluation after 2014) cites the variant as pathogenic. Based on the evidence outlined above, the variant was classified as pathogenic.

Eurofins Ntd Llc (ga)
Classification: Pathogenic. Last evaluated: 2014-11-19. Review status: criteria provided, single submitter. Criteria: EGL Classification Definitions 2015. Collection method: clinical testing. Allele origin: germline. Observed: 1 variant allele, 1 heterozygote. Not counted in ClinVar's aggregate classification.

Natera, Inc.
Classification: Pathogenic for Phenylketonuria. Last evaluated: 2020-12-31. Review status: no assertion criteria provided. Collection method: clinical testing. Allele origin: germline. Not counted in ClinVar's aggregate classification.

DeBelle Laboratory for Biochemical Genetics, MUHC/MCH RESEARCH INSTITUTE
No classification provided. Review status: no classification provided. Collection method: not provided. Allele origin: not provided. Not counted in ClinVar's aggregate classification.

Literature cited by the submitters: PubMed 26666653 (cited by 3 submitters); PubMed 1301187 (cited by Labcorp Genetics (formerly Invitae), Labcorp); PubMed 9634518 (cited by Labcorp Genetics (formerly Invitae), Labcorp); PubMed 17502162 (cited by Labcorp Genetics (formerly Invitae), Labcorp and Women's Health and Genetics/Laboratory Corporation of America, LabCorp); PubMed 23430918 (cited by Women's Health and Genetics/Laboratory Corporation of America, LabCorp); PubMed 9012412 (cited by Women's Health and Genetics/Laboratory Corporation of America, LabCorp).